The following is an entry in ClinVar:

ClinVar aggregate classification (germline): Uncertain significance. Review status: criteria provided, multiple submitters, no conflicts (2 of 4 stars). 3 submissions from 3 submitters: Uncertain significance (3). Last evaluated 2025-09-15.

Conditions:
KIDINS220-related disorder. Also called: KIDINS220-related condition.
Inborn genetic diseases. Identifiers: MedGen C0950123, MeSH D030342.

gnomAD v4.1: 18 of 1,613,754 alleles (0.0011%); highest among the groups gnomAD compares: African/African-American, 0.013%; 1 homozygote.

Submissions (3):

PreventionGenetics, part of Exact Sciences
Classification: Uncertain significance for KIDINS220-related condition. Last evaluated: 2025-09-15. Review status: criteria provided, single submitter. Criteria: ACMG Guidelines, 2015. Collection method: clinical testing. Allele origin: germline.
Comment: The KIDINS220 c.1520T>A variant is predicted to result in the amino acid substitution p.Leu507Gln. To our knowledge, this variant has not been reported in the literature. This variant is reported in 0.013% of alleles in individuals of African descent in gnomAD. At this time, the clinical significance of this variant is uncertain due to the absence of conclusive functional and genetic evidence.

Labcorp Genetics (formerly Invitae), Labcorp
Classification: Uncertain significance. Last evaluated: 2025-06-08. Review status: criteria provided, single submitter. Criteria: Invitae Variant Classification Sherloc (09022015). Collection method: clinical testing. Allele origin: germline.
Comment: This sequence change replaces leucine, which is neutral and non-polar, with glutamine, which is neutral and polar, at codon 507 of the KIDINS220 protein (p.Leu507Gln). This variant is present in population databases (rs201460104, gnomAD 0.01%). This variant has not been reported in the literature in individuals affected with KIDINS220-related conditions. ClinVar contains an entry for this variant (Variation ID: 2079264). An algorithm developed to predict the effect of missense changes on protein structure and function (PolyPhen-2) suggests that this variant is likely to be disruptive. In summary, the available evidence is currently insufficient to determine the role of this variant in disease. Therefore, it has been classified as a Variant of Uncertain Significance.

Ambry Genetics
Classification: Uncertain significance for Inborn genetic diseases. Last evaluated: 2024-04-18. Review status: criteria provided, single submitter. Criteria: Ambry Variant Classification Scheme 2023. Collection method: clinical testing. Allele origin: germline.

NM_020738.4(KIDINS220):c.1520T>A (p.Leu507Gln)

Gene: KIDINS220 (kinase D interacting substrate 220; minus strand). Cytogenetic location: 2p25.1.
Variant type: single nucleotide variant.
Coding change: c.1520T>A on transcript NM_020738.4 (MANE Select); coding-DNA position 1520, T replaced by A.
Protein change: p.Leu507Gln; replaces leucine 507 with glutamine.
Molecular consequence: missense variant. On other transcripts: non-coding transcript variant (2).
Genome position (GRCh38, 1-based): chr2:8,789,981, A>T on the plus strand (T>A on the coding strand, the complement: KIDINS220 is on the minus strand). VCF-style: chr2-8789981-A-T. GRCh37 (hg19) VCF-style: chr2-8930111-A-T.
Other names: c.1520T>A (NM_020738.2); c.1523T>A, p.Leu508Gln (NM_001348729.2, NM_001348731.2, NM_001348734.2 and 3 more transcripts); c.1520T>A, p.Leu507Gln (NM_001348732.2, NM_001348735.2, NM_001348738.2 and 3 more transcripts); c.1394T>A, p.Leu465Gln (NM_001348736.2); short protein forms L465Q, L507Q, L508Q.
Identifiers: ClinVar variation 2079264 (VCV002079264.6), dbSNP rs201460104, ClinGen allele CA1520167.